The following is an entry in ClinVar:

ClinVar aggregate classification (germline): Likely benign. Review status: criteria provided, multiple submitters, no conflicts (2 of 4 stars). 3 submissions from 3 submitters: Likely benign (3). Last evaluated 2024-10-28.

Conditions:
Familial cancer of breast. Also called: BREAST CANCER, FAMILIAL; hereditary breast carcinoma; Hereditary breast cancer. Identifiers: Orphanet 227535, MedGen C0346153, MONDO:0016419, OMIM 114480. Disease mechanism: loss of function.
Fanconi anemia complementation group J. Also called: BRIP1-Related Fanconi Anemia. Identifiers: Orphanet 84, MedGen C1836860, MONDO:0012187, OMIM 609054.

gnomAD v4.1: 1 of 1,613,446 alleles (0.000062%); highest among the groups gnomAD compares: Non-Finnish European, 0.000085%; no homozygotes.

Submissions (3):

Labcorp Genetics (formerly Invitae), Labcorp
Classification: Likely benign for Familial cancer of breast; Fanconi anemia complementation group J. Last evaluated: 2024-10-28. Review status: criteria provided, single submitter. Criteria: Invitae Variant Classification Sherloc (09022015). Collection method: clinical testing. Allele origin: germline.

Myriad Genetics, Inc.
Classification: Likely benign for Familial cancer of breast. Last evaluated: 2024-08-21. Review status: criteria provided, single submitter. Criteria: Myriad Autosomal Dominant, Autosomal Recessive and X-Linked Classification Criteria (2023). Collection method: clinical testing. Allele origin: unknown.
Comment: This variant is considered likely benign. This variant is intronic and is not expected to impact mRNA splicing.

GeneDx
Classification: Likely benign. Last evaluated: 2016-10-10. Review status: criteria provided, single submitter. Criteria: GeneDx Variant Classification (06012015). Collection method: clinical testing. Allele origin: germline. Affected: yes.
Comment: This variant is considered likely benign or benign based on one or more of the following criteria: it is a conservative change, it occurs at a poorly conserved position in the protein, it is predicted to be benign by multiple in silico algorithms, and/or has population frequency not consistent with disease.

NM_032043.3(BRIP1):c.508-15G>T

Gene: BRIP1 (BRCA1 interacting DNA helicase 1; minus strand). Cytogenetic location: 17q23.2.
Variant type: single nucleotide variant.
Coding change: c.508-15G>T on transcript NM_032043.3 (MANE Select); 15 bases into the intron before coding-DNA position 508, G replaced by T.
Molecular consequence: intron variant.
Genome position (GRCh38, 1-based): chr17:61,847,235, C>A on the plus strand (G>T on the coding strand, the complement: BRIP1 is on the minus strand). VCF-style: chr17-61847235-C-A. GRCh37 (hg19) VCF-style: chr17-59924596-C-A.
Identifiers: ClinVar variation 389975 (VCV000389975.4), dbSNP rs1057523603, ClinGen allele CA16607421.
Genomic context (GRCh38, chr17:61,847,235, plus strand): 5'-CATCCAAATTGTGTACTTCTGTTCCAAAGCAATGACGTTTTCTAATCTGTAAACACAGAA[C>A]CAAAATGAAGTTTAAGGTGAACTAGAAGTTTAACTGGCTAGTTGTTCTCAAAGGCCAAAA-3'